The following is an entry in ClinVar:

NM_007255.3(B4GALT7):c.723+20G>A

Gene: B4GALT7 (beta-1,4-galactosyltransferase 7; plus strand). Cytogenetic location: 5q35.3.
Variant type: single nucleotide variant.
Coding change: c.723+20G>A on transcript NM_007255.3 (MANE Select); 20 bases into the intron after coding-DNA position 723, G replaced by A.
Molecular consequence: intron variant.
Genome position (GRCh38, 1-based): chr5:177,608,642, G>A. VCF-style: chr5-177608642-G-A. GRCh37 (hg19) VCF-style: chr5-177035643-G-A.
Identifiers: ClinVar variation 391130 (VCV000391130.11), dbSNP rs199543624, ClinGen allele CA3586654.

ClinVar aggregate classification (germline): Benign/Likely benign. Review status: criteria provided, multiple submitters, no conflicts (2 of 4 stars). 4 submissions from 4 submitters: Benign (1); Likely benign (3). Last evaluated 2026-01-25.

Conditions:
Spondylodysplastic Ehlers-Danlos syndrome. Identifiers: Orphanet 536471, Orphanet 75496, MedGen C5680154, MONDO:0007526.

Allele frequency attached by ClinVar (database versions not stated): 1000 Genomes Project 30x 0.00016; 1000 Genomes Project 0.00020; TOPMed 0.00054; gnomAD exomes 0.00060 and 0.00077; gnomAD 0.00073 and 0.00074; ExAC 0.00076; ESP Exome Variant Server 0.00077.
gnomAD v4.1: 970 of 1,608,054 alleles (0.06%); highest among the groups gnomAD compares: Non-Finnish European, 0.059%; no homozygotes.

Submissions (4):

Labcorp Genetics (formerly Invitae), Labcorp
Classification: Benign for Spondylodysplastic Ehlers-Danlos syndrome. Last evaluated: 2026-01-25. Review status: criteria provided, single submitter. Criteria: Invitae Variant Classification Sherloc (09022015). Collection method: clinical testing. Allele origin: germline.

Women's Health and Genetics/Laboratory Corporation of America, LabCorp
Classification: Likely benign. Last evaluated: 2025-03-24. Review status: criteria provided, single submitter. Criteria: LabCorp Variant Classification Summary - May 2015. Collection method: clinical testing. Allele origin: germline.

Blueprint Genetics
Classification: Likely benign. Last evaluated: 2024-11-07. Review status: criteria provided, single submitter. Criteria: ACMG Guidelines, 2015. Collection method: clinical testing. Allele origin: germline.

GeneDx
Classification: Likely benign. Last evaluated: 2017-11-15. Review status: criteria provided, single submitter. Criteria: GeneDx Variant Classification (06012015). Collection method: clinical testing. Allele origin: germline. Affected: yes.
Comment: This variant is considered likely benign or benign based on one or more of the following criteria: it is a conservative change, it occurs at a poorly conserved position in the protein, it is predicted to be benign by multiple in silico algorithms, and/or has population frequency not consistent with disease.